The following is an entry in ClinVar:

ClinVar aggregate classification (germline): Likely benign (1 of 4 stars; one submission).

gnomAD v4.1: 15 of 1,568,314 alleles (0.00096%); highest among the groups gnomAD compares: African/African-American, 0.0027%; no homozygotes.

Submission:

CeGaT Center for Human Genetics Tuebingen
Classification: Likely benign. Last evaluated: 2025-12-01. Review status: criteria provided, single submitter. Criteria: CeGaT Center For Human Genetics Tuebingen Variant Classification Criteria Version 2. Collection method: clinical testing. Allele origin: germline. Affected: yes. Observed: 1 variant allele.
Comment: ANO1: BP4, BP7

NM_018043.7(ANO1):c.348G>A (p.Pro116=)

Gene: ANO1 (anoctamin 1; plus strand). Cytogenetic location: 11q13.3.
Variant type: single nucleotide variant.
Coding change: c.348G>A on transcript NM_018043.7 (MANE Select); coding-DNA position 348, G replaced by A.
Protein change: p.Pro116=; no amino-acid change (proline 116 retained).
Molecular consequence: synonymous variant. On other transcripts: non-coding transcript variant (1).
Genome position (GRCh38, 1-based): chr11:70,087,991, G>A. VCF-style: chr11-70087991-G-A. GRCh37 (hg19) VCF-style: chr11-69934097-G-A.
Other names: c.471G>A, p.Pro157= (NM_001378092.1); c.348G>A, p.Pro116= (NM_001378093.1, NM_001378094.2, NM_001378095.2 and 2 more transcripts).
Identifiers: ClinVar variation 4681535 (VCV004681535.5).